The following is an entry in ClinVar:

ClinVar aggregate classification (germline): Uncertain significance. Review status: criteria provided, multiple submitters, no conflicts (2 of 4 stars). 2 submissions from 2 submitters: Uncertain significance (2). Last evaluated 2025-09-09.

Conditions:
Bethlem myopathy 1A. Also called: MYOPATHY, BENIGN CONGENITAL, WITH CONTRACTURES; Bethlem myopathy 1; Bethlem Muscular Dystrophy. Identifiers: Orphanet 610, MedGen CN029274, MONDO:0024530, OMIM 158810.

gnomAD v4.1: 15 of 1,612,858 alleles (0.00093%); highest among the groups gnomAD compares: African/African-American, 0.0013%; no homozygotes.

Submissions (2):

Labcorp Genetics (formerly Invitae), Labcorp
Classification: Uncertain significance for Bethlem myopathy 1A. Last evaluated: 2025-09-09. Review status: criteria provided, single submitter. Criteria: Invitae Variant Classification Sherloc (09022015). Collection method: clinical testing. Allele origin: germline.
Comment: This sequence change replaces valine, which is neutral and non-polar, with phenylalanine, which is neutral and non-polar, at codon 752 of the COL6A2 protein (p.Val752Phe). This variant is not present in population databases (gnomAD no frequency). This variant has not been reported in the literature in individuals affected with COL6A2-related conditions. ClinVar contains an entry for this variant (Variation ID: 2440404). Invitae Evidence Modeling of protein sequence and biophysical properties (such as structural, functional, and spatial information, amino acid conservation, physicochemical variation, residue mobility, and thermodynamic stability) indicates that this missense variant is expected to disrupt COL6A2 protein function with a positive predictive value of 80%. In summary, the available evidence is currently insufficient to determine the role of this variant in disease. Therefore, it has been classified as a Variant of Uncertain Significance.

Revvity Omics, Revvity
Classification: Uncertain significance. Last evaluated: 2019-06-25. Review status: criteria provided, single submitter. Criteria: ACMG Guidelines, 2015. Collection method: clinical testing. Allele origin: germline.

NM_001849.4(COL6A2):c.2254G>T (p.Val752Phe)

Gene: COL6A2 (collagen type VI alpha 2 chain; plus strand). Cytogenetic location: 21q22.3.
Variant type: single nucleotide variant.
Coding change: c.2254G>T on transcript NM_001849.4 (MANE Select); coding-DNA position 2254, G replaced by T.
Protein change: p.Val752Phe; replaces valine 752 with phenylalanine.
Molecular consequence: missense variant.
Genome position (GRCh38, 1-based): chr21:46,126,069, G>T. VCF-style: chr21-46126069-G-T. GRCh37 (hg19) VCF-style: chr21-47545983-G-T.
Other names: c.2254G>T, p.Val752Phe (NM_058174.3, NM_058175.3); short protein forms V752F.
Identifiers: ClinVar variation 2440404 (VCV002440404.4), dbSNP rs557865000, ClinGen allele CA410542321.